The following is an entry in ClinVar:

ClinVar aggregate classification (germline): Likely benign (1 of 4 stars; one submission).

Allele frequency attached by ClinVar (database versions not stated): gnomAD 0.00001; gnomAD exomes 0.00001; 1000 Genomes Project 30x 0.00016; 1000 Genomes Project 0.00020.

Submission:

Laboratory for Molecular Medicine, Mass General Brigham Personalized Medicine
Classification: Likely benign. Last evaluated: 2017-09-11. Review status: criteria provided, single submitter. Criteria: LMM Criteria. Collection method: clinical testing. Allele origin: germline. Observed: 1 variant allele.
Comment: p.Asn30Asn in exon 2 of LAMA4: This variant is not expected to have clinical sig nificance because it does not alter an amino acid residue and it is not located within the splice consensus sequence. It has been identified in 2/32432 Latino chromosomes by the Genome Aggregation Database (gnomAD; dbSNP rs542554847).

NM_001105206.3(LAMA4):c.90C>T (p.Asn30=)

Genes: LAMA4 (laminin subunit alpha 4; minus strand), LAMA4-AS1 (LAMA4 antisense RNA 1; plus strand). Cytogenetic location: 6q21.
Variant type: single nucleotide variant.
Coding change: c.90C>T on transcript NM_001105206.3 (MANE Select); coding-DNA position 90, C replaced by T.
Protein change: p.Asn30=; no amino-acid change (asparagine 30 retained).
Molecular consequence: synonymous variant.
Genome position (GRCh38, 1-based): chr6:112,254,061, G>A on the plus strand (C>T on the coding strand, the complement: LAMA4 is on the minus strand). VCF-style: chr6-112254061-G-A. GRCh37 (hg19) VCF-style: chr6-112575263-G-A.
Other names: c.90C>T, p.Asn30= (NM_001105207.3, NM_001105208.3, NM_001105209.3 and 1 more transcripts).
Identifiers: ClinVar variation 517603 (VCV000517603.4), dbSNP rs542554847, ClinGen allele CA145061925.